The following is an entry in ClinVar:

NM_000353.3(TAT):c.742G>T (p.Glu248Ter)

Genes: TAT (tyrosine aminotransferase; minus strand), TAT-AS1 (TAT antisense RNA 1; plus strand). Cytogenetic location: 16q22.2.
Variant type: single nucleotide variant.
Coding change: c.742G>T on transcript NM_000353.3 (MANE Select); coding-DNA position 742, G replaced by T.
Protein change: p.Glu248Ter; replaces glutamic acid 248 with a stop codon.
Molecular consequence: nonsense.
Genome position (GRCh38, 1-based): chr16:71,571,623, C>A on the plus strand (G>T on the coding strand, the complement: TAT is on the minus strand). VCF-style: chr16-71571623-C-A. GRCh37 (hg19) VCF-style: chr16-71605526-C-A.
Other names: short protein forms E248*.
Identifiers: ClinVar variation 2703184 (VCV002703184.3), dbSNP rs1434136429, ClinGen allele CA396651955.

ClinVar aggregate classification (germline): Pathogenic (1 of 4 stars; one submission).

Conditions:
Tyrosinemia type II (TYRSN2). Also called: KERATOSIS PALMOPLANTARIS WITH CORNEAL DYSTROPHY; OREGON TYPE TYROSINEMIA; TAT DEFICIENCY; TYROSINE AMINOTRANSFERASE DEFICIENCY; TYROSINE TRANSAMINASE DEFICIENCY. Identifiers: Orphanet 28378, MedGen C0268487, MONDO:0010160, OMIM 276600.

Allele frequency attached by ClinVar (database versions not stated): TOPMed below 0.00001.

Submission:

Labcorp Genetics (formerly Invitae), Labcorp
Classification: Pathogenic for Tyrosinemia type II. Last evaluated: 2023-12-14. Review status: criteria provided, single submitter. Criteria: Invitae Variant Classification Sherloc (09022015). Collection method: clinical testing. Allele origin: germline.
Comment: This sequence change creates a premature translational stop signal (p.Glu248*) in the TAT gene. It is expected to result in an absent or disrupted protein product. Loss-of-function variants in TAT are known to be pathogenic (PMID: 9544843). This variant is not present in population databases (gnomAD no frequency). This variant has not been reported in the literature in individuals affected with TAT-related conditions. Algorithms developed to predict the effect of sequence changes on RNA splicing suggest that this variant may disrupt the consensus splice site. For these reasons, this variant has been classified as Pathogenic.

Literature cited by the submitters: PubMed 9544843.